The following is an entry in ClinVar:

NM_000552.5(VWF):c.2024C>T (p.Pro675Leu)

Gene: VWF (von Willebrand factor; minus strand). Cytogenetic location: 12p13.31.
Variant type: single nucleotide variant.
Coding change: c.2024C>T on transcript NM_000552.5 (MANE Select); coding-DNA position 2024, C replaced by T.
Protein change: p.Pro675Leu; replaces proline 675 with leucine.
Molecular consequence: missense variant.
Genome position (GRCh38, 1-based): chr12:6,052,705, G>A on the plus strand (C>T on the coding strand, the complement: VWF is on the minus strand). VCF-style: chr12-6052705-G-A. GRCh37 (hg19) VCF-style: chr12-6161871-G-A.
Other names: p.Pro675Leu; short protein forms P675L.
Identifiers: ClinVar variation 3380078 (VCV003380078.3).

ClinVar aggregate classification (germline): Uncertain significance. Review status: criteria provided, multiple submitters, no conflicts (2 of 4 stars). 2 submissions from 2 submitters: Uncertain significance (2). Last evaluated 2024-05-08.

Conditions:
von Willebrand disease type 2 (VWD2). Also called: VON WILLEBRAND DISEASE, TYPE 2A/IIE; VON WILLEBRAND DISEASE, TYPE 2CB; VWD, TYPE 2; VON WILLEBRAND DISEASE, TYPE II. Identifiers: Orphanet 166081, Orphanet 903, MedGen C1264040, MONDO:0013304, OMIM 613554.
von Willebrand disease type 1 (VWD1). Also called: VWD, TYPE 1; VON WILLEBRAND DISEASE, TYPE I. Identifiers: Orphanet 166078, Orphanet 903, MedGen C1264039, MONDO:0008668, OMIM 193400. Inheritance: autosomal recessive or autosomal dominant.
von Willebrand disease type 3 (VWD3). Also called: Type 3 Von Willebrand's disease; Type 3 VWD; Von Willebrand disease, severe form; V WD3; VON WILLEBRAND DISEASE, TYPE III. Identifiers: Orphanet 166096, MedGen C1264041, MONDO:0010191, OMIM 277480.

gnomAD v4.1: 64 of 1,614,194 alleles (0.004%); highest among the groups gnomAD compares: East Asian, 0.056%; no homozygotes.

Submissions (2):

Mayo Clinic Laboratories, Mayo Clinic
Classification: Uncertain significance. Last evaluated: 2024-05-08. Review status: criteria provided, single submitter. Criteria: ACMG Guidelines, 2015. Collection method: clinical testing. Allele origin: germline. Observed: 1 variant allele.

Juno Genomics, Hangzhou Juno Genomics, Inc
Classification: Uncertain significance for von Willebrand disease type 1; von Willebrand disease type 3; von Willebrand disease type 2. Review status: criteria provided, single submitter. Criteria: ACMG Guidelines, 2015. Collection method: clinical testing. Allele origin: germline.
Comment: Missense variant in a gene that has a low rate of benign missense variation.;Multiple lines of computational evidence support a deleterious effect on the gene or gene product.;Absent from controls (or at extremely low frequency if recessive) in Genome Aggregation Database.

Literature cited by the submitters: PubMed 31501239 (cited by Mayo Clinic Laboratories, Mayo Clinic); PubMed 32190902 (cited by Mayo Clinic Laboratories, Mayo Clinic).